The following is an entry in ClinVar:

ClinVar aggregate classification (germline): Pathogenic (1 of 4 stars; one submission).

Conditions:
6-Pyruvoyl-tetrahydrobiopterin synthase deficiency. Also called: PTS DEFICIENCY; 6-Pyruvoyltetrahydropterin Synthase Deficiency; HYPERPHENYLALANINEMIA, TETRAHYDROBIOPTERIN-DEFICIENT, DUE TO PTS DEFICIENCY; PTS-Related Tetrahydrobiopterin Deficiency; BH4-deficient hyperphenylalaninemia A; Hyperphenylalanemia, BH4-deficient, A. Identifiers: Orphanet 13, Orphanet 238583, MedGen C0878676, MONDO:0009863, OMIM 261640.

Submission:

Labcorp Genetics (formerly Invitae), Labcorp
Classification: Pathogenic for 6-Pyruvoyl-tetrahydrobiopterin synthase deficiency. Last evaluated: 2021-06-15. Review status: criteria provided, single submitter. Criteria: Invitae Variant Classification Sherloc (09022015). Collection method: clinical testing. Allele origin: germline.
Comment: A gross deletion of the genomic region encompassing the full coding sequence of the PTS gene has been identified. Loss-of-function variants in PTS are known to be pathogenic (PMID: 3297709, 16917893). The boundaries of this event are unknown as they extend beyond the assayed region for this gene and therefore may encompass additional genes. This variant has been observed in individual(s) with PTS-related conditions (PMID: 10874306, 28378820). For these reasons, this variant has been classified as Pathogenic.

Literature cited by the submitters: PubMed 3297709; PubMed 16917893; PubMed 10874306; PubMed 28378820.

NC_000011.10:g.(?_112226444)_(112233555_?)del

Gene: PTS (6-pyruvoyltetrahydropterin synthase; plus strand). Cytogenetic location: 11q23.1.
Variant type: Deletion.
Identifiers: ClinVar variation 831225 (VCV000831225.2).